The following is an entry in ClinVar:

ClinVar aggregate classification (germline): Likely pathogenic (1 of 4 stars; one submission).

Conditions:
Menkes kinky-hair syndrome (MNK). Also called: Copper transport disease; Classic Menkes Disease; Menkes Disease. Identifiers: Orphanet 565, MedGen C0022716, MONDO:0010651, OMIM 309400.

Submission:

Myriad Genetics, Inc.
Classification: Likely pathogenic for Menkes kinky-hair syndrome. Last evaluated: 2021-12-21. Review status: criteria provided, single submitter. Criteria: Myriad Autosomal Dominant, Autosomal Recessive and X-Linked Classification Criteria (2023). Collection method: clinical testing. Allele origin: unknown.
Comment: NM_000052.5(ATP7A):c.3692delC(T1231Kfs*2) is expected to be pathogenic in the context of ATP7A-related disorders. This variant is predicted to lead to an abnormal or absent protein product due to the creation of a premature termination codon in ATP7A, a gene where loss-of-function variants are known to be pathogenic. Please note: this variant was assessed in the context of healthy population screening.

NM_000052.7(ATP7A):c.3692del (p.Thr1231fs)

Gene: ATP7A (ATPase copper transporting alpha; plus strand). Cytogenetic location: Xq21.1.
Variant type: Deletion.
Coding change: c.3692del on transcript NM_000052.7 (MANE Select); coding-DNA position 3692, one base deleted (C; older notation c.3692delC).
Protein change: p.Thr1231fs; shifts the reading frame from threonine 1231.
Molecular consequence: frameshift variant. On other transcripts: non-coding transcript variant (1).
Genome position (GRCh38, 1-based): chrX:78,040,624, C deleted. VCF-style (leftmost placement, unchanged base first): chrX-78040623-AC-A. GRCh37 (hg19) VCF-style: chrX-77296121-AC-A.
Other names: c.3458del, p.Thr1153fs (NM_001282224.2); short protein forms T1153fs, T1231fs.
Identifiers: ClinVar variation 1726558 (VCV001726558.3), dbSNP rs2522414476, ClinGen allele CA2580101990.